The following is an entry in ClinVar:

ClinVar aggregate classification (germline): Benign/Likely benign. Review status: criteria provided, multiple submitters, no conflicts (2 of 4 stars). 7 submissions from 7 submitters: Benign (4); Likely benign (2). 1 of the submissions does not count toward it. Last evaluated 2026-03-01.

Conditions:
Alport syndrome. Also called: Hemorrhagic familial nephritis; Hemorrhagic hereditary nephritis; Congenital hereditary hematuria. Identifiers: Orphanet 63, MedGen C1567741, MONDO:0018965.

Allele frequency attached by ClinVar (database versions not stated): ExAC 0.00068; gnomAD 0.00216 and 0.00233; TOPMed 0.00233; ESP Exome Variant Server 0.00247; 1000 Genomes Project 30x 0.00250; 1000 Genomes Project 0.00280.
gnomAD v4.1: 631 of 1,614,128 alleles (0.039%); highest among the groups gnomAD compares: African/African-American, 0.71%; 4 homozygotes.

Submissions (7):

CeGaT Center for Human Genetics Tuebingen
Classification: Likely benign. Last evaluated: 2026-03-01. Review status: criteria provided, single submitter. Criteria: CeGaT Center For Human Genetics Tuebingen Variant Classification Criteria Version 2. Collection method: clinical testing. Allele origin: germline. Affected: yes. Observed: 1 variant allele.
Comment: COL4A3: BS2

Labcorp Genetics (formerly Invitae), Labcorp
Classification: Benign. Last evaluated: 2026-01-31. Review status: criteria provided, single submitter. Criteria: Invitae Variant Classification Sherloc (09022015). Collection method: clinical testing. Allele origin: germline.

Blueprint Genetics
Classification: Likely benign. Last evaluated: 2024-11-25. Review status: criteria provided, single submitter. Criteria: ACMG Guidelines, 2015. Collection method: clinical testing. Allele origin: germline.

Women's Health and Genetics/Laboratory Corporation of America, LabCorp
Classification: Benign. Last evaluated: 2022-03-20. Review status: criteria provided, single submitter. Criteria: LabCorp Variant Classification Summary - May 2015. Collection method: clinical testing. Allele origin: germline.
Comment: Variant summary: COL4A3 c.3031C>T (p.Arg1011Cys) results in a non-conservative amino acid change in the encoded protein sequence. Three of five in-silico tools predict a benign effect of the variant on protein function. The variant allele was found at a frequency of 0.00055 in 249538 control chromosomes, predominantly at a frequency of 0.0077 within the African or African-American subpopulation in the gnomAD database. The observed variant frequency within African or African-American control individuals in the gnomAD database is approximately 4 fold of the estimated maximal expected allele frequency for a pathogenic variant in COL4A3 causing Alport Syndrome, Autosomal Recessive phenotype (0.0019), strongly suggesting that the variant is a benign polymorphism found primarily in populations of African or African-American origin. To our knowledge, no penetrant association c.3031C>T in individuals affected with Alport Syndrome, Autosomal Recessive and no experimental evidence demonstrating its impact on protein function have been reported. Three clinical diagnostic laboratories have submitted clinical-significance assessments for this variant to ClinVar after 2014 without evidence for independent evaluation. All laboratories classified the variant as benign/likely benign. Based on the evidence outlined above, the variant was classified as benign.

GeneDx
Classification: Benign. Last evaluated: 2020-02-04. Review status: criteria provided, single submitter. Criteria: GeneDx Variant Classification Process June 2021. Collection method: clinical testing. Allele origin: germline. Affected: yes.

PreventionGenetics, part of Exact Sciences
Classification: Benign. Review status: criteria provided, single submitter. Criteria: ACMG Guidelines, 2015. Collection method: clinical testing. Allele origin: germline.

Natera, Inc.
Classification: Likely benign for Alport syndrome. Last evaluated: 2021-06-08. Review status: no assertion criteria provided. Collection method: clinical testing. Allele origin: germline. Not counted in ClinVar's aggregate classification.

NM_000091.5(COL4A3):c.3031C>T (p.Arg1011Cys)

Genes: COL4A3 (collagen type IV alpha 3 chain; plus strand), MFF-DT (MFF divergent transcript; minus strand). Cytogenetic location: 2q36.3.
Variant type: single nucleotide variant.
Coding change: c.3031C>T on transcript NM_000091.5 (MANE Select); coding-DNA position 3031, C replaced by T.
Protein change: p.Arg1011Cys; replaces arginine 1011 with cysteine.
Molecular consequence: missense variant.
Genome position (GRCh38, 1-based): chr2:227,290,049, C>T. VCF-style: chr2-227290049-C-T. GRCh37 (hg19) VCF-style: chr2-228154765-C-T.
Other names: short protein forms R1011C.
Identifiers: ClinVar variation 254989 (VCV000254989.22), dbSNP rs73996408, ClinGen allele CA2147083.